The following is an entry in ClinVar:

NM_001458.5(FLNC):c.4541C>T (p.Thr1514Met)

Gene: FLNC (filamin C; plus strand). Cytogenetic location: 7q32.1.
Variant type: single nucleotide variant.
Coding change: c.4541C>T on transcript NM_001458.5 (MANE Select); coding-DNA position 4541, C replaced by T.
Protein change: p.Thr1514Met; replaces threonine 1514 with methionine.
Molecular consequence: missense variant.
Genome position (GRCh38, 1-based): chr7:128,848,029, C>T. VCF-style: chr7-128848029-C-T. GRCh37 (hg19) VCF-style: chr7-128488083-C-T.
Other names: c.4541C>T, p.Thr1514Met (NM_001127487.2); short protein forms T1514M.
Identifiers: ClinVar variation 864174 (VCV000864174.15), dbSNP rs1159701068, ClinGen allele CA369201977.

ClinVar aggregate classification (germline): Conflicting classifications of pathogenicity. Review status: criteria provided, conflicting classifications (1 of 4 stars). 5 submissions from 5 submitters: Uncertain significance (4); Likely benign (1). Last evaluated 2026-05-20.

Conditions:
Cardiovascular phenotype. Identifiers: MedGen CN230736.
Distal myopathy with posterior leg and anterior hand involvement. Also called: WILLIAMS DISTAL MYOPATHY. Identifiers: Orphanet 63273, MedGen C3279722, MONDO:0013550, OMIM 614065.
Myofibrillar myopathy 5. Also called: Filaminopathy (type); FILAMINOPATHY, AUTOSOMAL DOMINANT. Identifiers: Orphanet 171445, MedGen C1836050, MONDO:0012289, OMIM 609524.
Hypertrophic cardiomyopathy 26. Also called: Cardiomyopathy, familial hypertrophic, 26. Identifiers: Orphanet 75249, MedGen C4310749, MONDO:0014883, OMIM 617047.

Allele frequency attached by ClinVar (database versions not stated): gnomAD exomes 0.00001; TOPMed 0.00001; gnomAD 0.00002 and 0.00001.
gnomAD v4.1: 13 of 1,606,824 alleles (0.00081%); highest among the groups gnomAD compares: African/African-American, 0.004%; no homozygotes.

Submissions (5):

Women's Health and Genetics/Laboratory Corporation of America, LabCorp
Classification: Uncertain significance. Last evaluated: 2026-05-20. Review status: criteria provided, single submitter. Criteria: LabCorp Variant Classification Summary - May 2015. Collection method: clinical testing. Allele origin: germline.
Comment: Variant summary: FLNC c.4541C>T (p.Thr1514Met) results in a non-conservative amino acid change in the encoded protein sequence. Algorithms developed to predict the effect of missense changes on protein structure and function all suggest that this variant is likely to be disruptive. The frequency data for this variant in gnomAD is considered unreliable, as metrics indicate poor data quality at this position. c.4541C>T has been observed in individuals affected with cardiomyopathy (e.g. Horgan_2025, de Villiers_2026). These reports do not provide unequivocal conclusions about association of the variant with disease. To our knowledge, no experimental evidence demonstrating an impact on protein function has been reported. The following publications have been ascertained in the context of this evaluation (PMID: 39694818, 41672210). ClinVar contains an entry for this variant (Variation ID: 864174). Based on the evidence outlined above, the variant was classified as uncertain significance.

Ambry Genetics
Classification: Uncertain significance for Cardiovascular phenotype. Last evaluated: 2026-04-27. Review status: criteria provided, single submitter. Criteria: Ambry Variant Classification Scheme 2023. Collection method: clinical testing. Allele origin: germline.
Comment: The p.T1514M variant (also known as c.4541C>T), located in coding exon 26 of the FLNC gene, results from a C to T substitution at nucleotide position 4541. The threonine at codon 1514 is replaced by methionine, an amino acid with similar properties. This amino acid position is conserved. In addition, this alteration is predicted to be tolerated by in silico analysis. Based on the available evidence, the clinical significance of this variant remains unclear.

Labcorp Genetics (formerly Invitae), Labcorp
Classification: Likely benign for Distal myopathy with posterior leg and anterior hand involvement; Myofibrillar myopathy 5; Hypertrophic cardiomyopathy 26. Last evaluated: 2025-12-24. Review status: criteria provided, single submitter. Criteria: Invitae Variant Classification Sherloc (09022015). Collection method: clinical testing. Allele origin: germline.

GeneDx
Classification: Uncertain significance. Last evaluated: 2025-05-08. Review status: criteria provided, single submitter. Criteria: GeneDx Variant Classification Process June 2021. Collection method: clinical testing. Allele origin: germline. Affected: yes.

Breakthrough Genomics
Classification: Uncertain significance. Review status: criteria provided, single submitter. Criteria: ACMG Guidelines, 2015. Collection method: not provided. Allele origin: germline. Inheritance: Autosomal recessive inheritance. Affected: yes.

Literature cited by the submitters: PubMed 39694818 (cited by Women's Health and Genetics/Laboratory Corporation of America, LabCorp); PubMed 41672210 (cited by Women's Health and Genetics/Laboratory Corporation of America, LabCorp).